The following is an entry in ClinVar:

ClinVar aggregate classification (germline): Conflicting classifications of pathogenicity. Review status: criteria provided, conflicting classifications (1 of 4 stars). 7 submissions from 7 submitters: Uncertain significance (1); Likely benign (6). Last evaluated 2026-06-22.

Conditions:
ACTN2-related disorder. Also called: ACTN2-related disorders; ACTN2 related condition.
Cardiovascular phenotype. Identifiers: MedGen CN230736.
Dilated cardiomyopathy 1AA (CMD1AA). Also called: CARDIOMYOPATHY, DILATED, 1AA, WITH OR WITHOUT LEFT VENTRICULAR NONCOMPACTION; CARDIOMYOPATHY, FAMILIAL HYPERTROPHIC, 23, WITH OR WITHOUT LEFT VENTRICULAR NONCOMPACTION; Cardiomyopathy, dilated, 1AA, with or without LVNC. Identifiers: Orphanet 154, MedGen C2677338, MONDO:0012808, OMIM 612158.
Primary familial hypertrophic cardiomyopathy (HCM). Identifiers: Orphanet 99739, MedGen C0949658, MeSH D024741, MONDO:0024573. Inheritance: Various modes of inheritance.

Allele frequency attached by ClinVar (database versions not stated): TOPMed 0.00003; gnomAD 0.00004; gnomAD exomes 0.00005 and 0.00011; ExAC 0.00010.
gnomAD v4.1: 87 of 1,614,108 alleles (0.0054%); highest among the groups gnomAD compares: South Asian, 0.0088%; 1 homozygote.

Submissions (7):

PreventionGenetics, part of Exact Sciences
Classification: Likely benign for ACTN2-related condition. Last evaluated: 2026-06-22. Review status: criteria provided, single submitter. Criteria: ACMG Guidelines, 2015. Collection method: clinical testing. Allele origin: germline.
Comment: This variant is classified as likely benign based on ACMG/AMP sequence variant interpretation guidelines (Richards et al. 2015 PMID: 25741868, with internal and published modifications).

Labcorp Genetics (formerly Invitae), Labcorp
Classification: Likely benign for Primary familial hypertrophic cardiomyopathy; Dilated cardiomyopathy 1AA. Last evaluated: 2026-01-16. Review status: criteria provided, single submitter. Criteria: Invitae Variant Classification Sherloc (09022015). Collection method: clinical testing. Allele origin: germline.

CeGaT Center for Human Genetics Tuebingen
Classification: Likely benign. Last evaluated: 2021-06-01. Review status: criteria provided, single submitter. Criteria: CeGaT Center For Human Genetics Tuebingen Variant Classification Criteria Version 2. Collection method: clinical testing. Allele origin: germline. Affected: yes. Observed: 1 variant allele.

GeneDx
Classification: Likely benign. Last evaluated: 2019-06-24. Review status: criteria provided, single submitter. Criteria: GeneDx Variant Classification Process June 2021. Collection method: clinical testing. Allele origin: germline. Affected: yes.

Ambry Genetics
Classification: Likely benign for Cardiovascular phenotype. Last evaluated: 2019-05-21. Review status: criteria provided, single submitter. Criteria: Ambry Variant Classification Scheme 2023. Collection method: clinical testing. Allele origin: germline.

Illumina Laboratory Services, Illumina
Classification: Uncertain significance for Dilated cardiomyopathy 1AA. Last evaluated: 2017-04-27. Review status: criteria provided, single submitter. Criteria: ICSL Variant Classification Criteria 13 December 2019. Collection method: clinical testing. Allele origin: germline.

Laboratory for Molecular Medicine, Mass General Brigham Personalized Medicine
Classification: Likely benign. Last evaluated: 2013-01-14. Review status: criteria provided, single submitter. Criteria: LMM Criteria. Collection method: clinical testing. Allele origin: germline. Observed: 1 variant allele.
Comment: Asn684Asn in exon 17 of ACTN2: This variant is not expected to have clinical sig nificance because it does not alter an amino acid residue and is not located wit hin the splice consensus sequence. It has been identified in 0.2% (3/1320) of Eu ropean chromosomes from a broad population by the ClinSeq Project (dbSNP rs20213 5204).

NM_001103.4(ACTN2):c.2052C>T (p.Asn684=)

Gene: ACTN2 (actinin alpha 2; plus strand). Cytogenetic location: 1q43.
Variant type: single nucleotide variant.
Coding change: c.2052C>T on transcript NM_001103.4 (MANE Select); coding-DNA position 2052, C replaced by T.
Protein change: p.Asn684=; no amino-acid change (asparagine 684 retained).
Molecular consequence: synonymous variant.
Genome position (GRCh38, 1-based): chr1:236,755,096, C>T. VCF-style: chr1-236755096-C-T. GRCh37 (hg19) VCF-style: chr1-236918396-C-T.
Other names: c.2052C>T, p.Asn684= (NM_001278343.2); c.1428C>T, p.Asn476= (NM_001278344.2).
Identifiers: ClinVar variation 43923 (VCV000043923.59), dbSNP rs202135204, ClinGen allele CA133166.